The following is an entry in ClinVar:

NM_007294.4(BRCA1):c.3997del (p.Val1333fs)

Genes: BRCA1 (BRCA1 DNA repair associated; minus strand), LOC126862571 (BRD4-independent group 4 enhancer GRCh37_chr17:41243136-41244335; plus strand). Cytogenetic location: 17q21.31.
Variant type: Deletion.
Coding change: c.3997del on transcript NM_007294.4 (MANE Select); coding-DNA position 3997, one base deleted (G; older notation c.3997delG).
Protein change: p.Val1333fs; shifts the reading frame from valine 1333.
Molecular consequence: frameshift variant. On other transcripts: intron variant (135).
Genome position (GRCh38, 1-based): chr17:43,091,534, C deleted on the plus strand (G on the coding strand, the reverse complement: BRCA1 is on the minus strand). VCF-style (leftmost placement, unchanged base first): chr17-43091533-AC-A. GRCh37 (hg19) VCF-style: chr17-41243550-AC-A.
Other names: c.3109del, p.Val1037fs (NM_001407967.1, NM_001407966.1); c.1393del, p.Val465fs (NM_001407968.1, NM_001407969.1); c.3856del, p.Val1286fs (NM_007297.4, NM_001407692.1, NM_001407694.1 and 29 more transcripts); c.3997del, p.Val1333fs (NM_007300.4, NM_001407581.1, NM_001407582.1 and 30 more transcripts); c.647-502del (NM_001408458.1, NM_001408469.1, NM_001408453.1 and 11 more transcripts); c.284-502del (NM_001408512.1); c.407-502del (NM_001408510.1); c.644-502del (NM_001408470.1, NM_001408464.1, NM_001408468.1 and 3 more transcripts); and 41 more; short protein forms V1286fs, V1333fs, V1165fs, V1262fs, V1265fs, V1292fs, V1206fs, V1244fs.
Identifiers: ClinVar variation 2133968 (VCV002133968.5), dbSNP rs2552114625, ClinGen allele CA2580094256.

ClinVar aggregate classification (germline): Pathogenic/Likely pathogenic. Review status: criteria provided, multiple submitters, no conflicts (2 of 4 stars). 2 submissions from 2 submitters: Pathogenic (1); Likely pathogenic (1). Last evaluated 2023-04-06.

Conditions:
Breast and/or ovarian cancer. Identifiers: MedGen CN221562.
Hereditary breast ovarian cancer syndrome. Also called: Hereditary breast and ovarian cancer; Hereditary breast and/or ovarian cancer syndrome; Hereditary breast and ovarian cancer syndrome (HBOC); Breast and ovarian cancer; Hereditary breast and ovarian cancer syndrome; BRCA1- and BRCA2-Associated Hereditary Breast and Ovarian Cancer. Identifiers: Orphanet 145, MedGen C0677776, MeSH D061325, MONDO:0003582. Disease mechanism: loss of function.

Submissions (2):

CHEO Genetics Diagnostic Laboratory, Children's Hospital of Eastern Ontario
Classification: Likely pathogenic for Breast and/or ovarian cancer. Last evaluated: 2023-04-06. Review status: criteria provided, single submitter. Criteria: ACMG Guidelines, 2015. Collection method: clinical testing. Allele origin: germline.

Labcorp Genetics (formerly Invitae), Labcorp
Classification: Pathogenic for Hereditary breast ovarian cancer syndrome. Last evaluated: 2022-05-05. Review status: criteria provided, single submitter. Criteria: Invitae Variant Classification Sherloc (09022015). Collection method: clinical testing. Allele origin: germline.
Comment: This sequence change creates a premature translational stop signal (p.Val1333Leufs*3) in the BRCA1 gene. It is expected to result in an absent or disrupted protein product. Loss-of-function variants in BRCA1 are known to be pathogenic (PMID: 20104584). This variant is not present in population databases (gnomAD no frequency). This variant has not been reported in the literature in individuals affected with BRCA1-related conditions. For these reasons, this variant has been classified as Pathogenic.

Literature cited by the submitters: PubMed 20104584 (cited by Labcorp Genetics (formerly Invitae), Labcorp).